The following is an entry in ClinVar:

ClinVar aggregate classification (germline): Uncertain significance (1 of 4 stars; one submission).

Conditions:
Ehlers-Danlos syndrome, type 4 (EDSVASC). Also called: Ehlers-Danlos Syndrome Type IV; Ehlers-Danlos syndrome vascular type; Ehlers Danlos syndrome, ecchymotic type; Ehlers Danlos syndrome, arterial type; Ehlers Danlos syndrome, Sack-Barabas type. Identifiers: Orphanet 286, MedGen C0268338, MONDO:0017314, OMIM 130050.

Submission:

Labcorp Genetics (formerly Invitae), Labcorp
Classification: Uncertain significance for Ehlers-Danlos syndrome, type 4. Last evaluated: 2023-12-31. Review status: criteria provided, single submitter. Criteria: Invitae Variant Classification Sherloc (09022015). Collection method: clinical testing. Allele origin: germline.
Comment: This sequence change replaces serine, which is neutral and polar, with arginine, which is basic and polar, at codon 796 of the COL3A1 protein (p.Ser796Arg). This variant is not present in population databases (gnomAD no frequency). This variant has not been reported in the literature in individuals affected with COL3A1-related conditions. Advanced modeling of protein sequence and biophysical properties (such as structural, functional, and spatial information, amino acid conservation, physicochemical variation, residue mobility, and thermodynamic stability) performed at Invitae indicates that this missense variant is not expected to disrupt COL3A1 protein function with a negative predictive value of 95%. In summary, the available evidence is currently insufficient to determine the role of this variant in disease. Therefore, it has been classified as a Variant of Uncertain Significance.

NM_000090.4(COL3A1):c.2388C>G (p.Ser796Arg)

Genes: COL3A1 (collagen type III alpha 1 chain; plus strand), LOC126806446 (P300/CBP strongly-dependent group 1 enhancer GRCh37_chr2:189866210-189867409; plus strand). Cytogenetic location: 2q32.2.
Variant type: single nucleotide variant.
Coding change: c.2388C>G on transcript NM_000090.4 (MANE Select); coding-DNA position 2388, C replaced by G.
Protein change: p.Ser796Arg; replaces serine 796 with arginine.
Molecular consequence: missense variant.
Genome position (GRCh38, 1-based): chr2:189,001,586, C>G. VCF-style: chr2-189001586-C-G. GRCh37 (hg19) VCF-style: chr2-189866312-C-G.
Other names: short protein forms S796R.
Identifiers: ClinVar variation 2706856 (VCV002706856.3), dbSNP rs2469148144, ClinGen allele CA349842555.
Genomic context (GRCh38, chr2:189,001,586, plus strand): 5'-CTTTTTCCAGGGTGAAGGTGGTGCCCCCGGACTTCCAGGTATAGCTGGACCTCGTGGTAG[C>G]CCTGTAAGTGTTAAAGACATTCTCAACATACTTTTTAACCCCATACAGACAGTAGCTACT-3'
Protein context (NP_000081.2, residues 786-806): GLPGIAGPRG[Ser796Arg]PGERGETGPP